The following is an entry in ClinVar:

NM_000435.3(NOTCH3):c.5993G>A (p.Arg1998His)

Gene: NOTCH3 (notch receptor 3; minus strand). Cytogenetic location: 19p13.12.
Variant type: single nucleotide variant.
Coding change: c.5993G>A on transcript NM_000435.3 (MANE Select); coding-DNA position 5993, G replaced by A.
Protein change: p.Arg1998His; replaces arginine 1998 with histidine.
Molecular consequence: missense variant.
Genome position (GRCh38, 1-based): chr19:15,161,635, C>T on the plus strand (G>A on the coding strand, the complement: NOTCH3 is on the minus strand). VCF-style: chr19-15161635-C-T. GRCh37 (hg19) VCF-style: chr19-15272446-C-T.
Other names: short protein forms R1998H.
Identifiers: ClinVar variation 1424419 (VCV001424419.6), dbSNP rs2046644859, ClinGen allele CA404490885.

ClinVar aggregate classification (germline): Uncertain significance (1 of 4 stars; one submission).

Allele frequency attached by ClinVar (database versions not stated): TOPMed below 0.00001; gnomAD exomes 0.00001.
gnomAD v4.1: 12 of 1,613,710 alleles (0.00074%); highest among the groups gnomAD compares: Non-Finnish European, 0.001%; no homozygotes.

Submission:

Labcorp Genetics (formerly Invitae), Labcorp
Classification: Uncertain significance. Last evaluated: 2022-10-24. Review status: criteria provided, single submitter. Criteria: Invitae Variant Classification Sherloc (09022015). Collection method: clinical testing. Allele origin: germline.
Comment: This variant is not present in population databases (gnomAD no frequency). This sequence change replaces arginine, which is basic and polar, with histidine, which is basic and polar, at codon 1998 of the NOTCH3 protein (p.Arg1998His). This variant has not been reported in the literature in individuals affected with NOTCH3-related conditions. ClinVar contains an entry for this variant (Variation ID: 1424419). Advanced modeling of protein sequence and biophysical properties (such as structural, functional, and spatial information, amino acid conservation, physicochemical variation, residue mobility, and thermodynamic stability) performed at Invitae indicates that this missense variant is not expected to disrupt NOTCH3 protein function. In summary, the available evidence is currently insufficient to determine the role of this variant in disease. Therefore, it has been classified as a Variant of Uncertain Significance.